The following is an entry in ClinVar:

NM_000186.4(CFH):c.1064A>C (p.Tyr355Ser)

Gene: CFH (complement factor H; plus strand). Cytogenetic location: 1q31.3.
Variant type: single nucleotide variant.
Coding change: c.1064A>C on transcript NM_000186.4 (MANE Select); coding-DNA position 1064, A replaced by C.
Protein change: p.Tyr355Ser; replaces tyrosine 355 with serine.
Molecular consequence: missense variant.
Genome position (GRCh38, 1-based): chr1:196,689,519, A>C. VCF-style: chr1-196689519-A-C. GRCh37 (hg19) VCF-style: chr1-196658649-A-C.
Other names: c.1064A>C, p.Tyr355Ser (NM_001014975.3); short protein forms Y355S.
Identifiers: ClinVar variation 4291355 (VCV004291355.1).

ClinVar aggregate classification (germline): Uncertain significance (1 of 4 stars; one submission).

Conditions:
Atypical hemolytic-uremic syndrome. Identifiers: Orphanet 2134, MedGen C2931788, MONDO:0016244.

Submission:

Genomenon, Inc
Classification: Uncertain significance for Atypical hemolytic-uremic syndrome. Last evaluated: 2025-10-02. Review status: criteria provided, single submitter. Criteria: Genomenon Sequence Variant Interpretation Standards - Updated. Collection method: curation. Allele origin: germline. Affected: yes.
Comment: CFH p.Tyr355Ser (c.1064A>C) is a missense variant that changes the amino acid at residue 355 from Tyrosine to Serine. This variant has been observed in at least one proband affected with atypical hemolytic-uremic syndrome (PMID:21322001). Functional studies have been reported (PMID:34189567). It is absent or not present at a significant frequency in gnomAD. In conclusion, we classify CFH p.Tyr355Ser (c.1064A>C) as a variant of uncertain significance.

Literature cited by the submitters: PubMed 21322001; PubMed 34189567.